The following is an entry in ClinVar:

NM_138927.4(SON):c.5977C>T (p.Arg1993Cys)

Gene: SON (SON DNA and RNA binding protein; plus strand). Cytogenetic location: 21q22.11.
Variant type: single nucleotide variant.
Coding change: c.5977C>T on transcript NM_138927.4 (MANE Select); coding-DNA position 5977, C replaced by T.
Protein change: p.Arg1993Cys; replaces arginine 1993 with cysteine.
Molecular consequence: missense variant. On other transcripts: non-coding transcript variant (1), intron variant (1).
Genome position (GRCh38, 1-based): chr21:33,555,208, C>T. VCF-style: chr21-33555208-C-T. GRCh37 (hg19) VCF-style: chr21-34927514-C-T.
Other names: c.5977C>T (NM_138927.2, NM_138927.1); c.5977C>T, p.Arg1993Cys (NM_001291411.2, NM_001412133.1, NM_032195.3 and 2 more transcripts); c.245-1948C>T (NM_001291412.3); short protein forms R1993C.
Identifiers: ClinVar variation 3004448 (VCV003004448.5), dbSNP rs2085941268, ClinGen allele CA410165917.

ClinVar aggregate classification (germline): Uncertain significance. Review status: criteria provided, multiple submitters, no conflicts (2 of 4 stars). 3 submissions from 3 submitters: Uncertain significance (3). Last evaluated 2025-03-14.

Conditions:
Inborn genetic diseases. Identifiers: MedGen C0950123, MeSH D030342.

Allele frequency attached by ClinVar (database versions not stated): gnomAD exomes below 0.00001; gnomAD 0.00001.
gnomAD v4.1: 3 of 1,596,176 alleles (0.00019%); highest among the groups gnomAD compares: East Asian, 0.0023%; no homozygotes.

Submissions (3):

GeneDx
Classification: Uncertain significance. Last evaluated: 2025-03-14. Review status: criteria provided, single submitter. Criteria: GeneDx Variant Classification Process June 2021. Collection method: clinical testing. Allele origin: germline. Affected: yes.
Comment: In silico analysis supports that this missense variant has a deleterious effect on protein structure/function; Has not been previously published as pathogenic or benign to our knowledge.

Ambry Genetics
Classification: Uncertain significance for Inborn genetic diseases. Last evaluated: 2024-07-16. Review status: criteria provided, single submitter. Criteria: Ambry Variant Classification Scheme 2023. Collection method: clinical testing. Allele origin: germline.

Labcorp Genetics (formerly Invitae), Labcorp
Classification: Uncertain significance. Last evaluated: 2023-12-16. Review status: criteria provided, single submitter. Criteria: Invitae Variant Classification Sherloc (09022015). Collection method: clinical testing. Allele origin: germline.
Comment: This sequence change replaces arginine, which is basic and polar, with cysteine, which is neutral and slightly polar, at codon 1993 of the SON protein (p.Arg1993Cys). This variant is not present in population databases (gnomAD no frequency). This variant has not been reported in the literature in individuals affected with SON-related conditions. Experimental studies and prediction algorithms are not available or were not evaluated, and the functional significance of this variant is currently unknown. In summary, the available evidence is currently insufficient to determine the role of this variant in disease. Therefore, it has been classified as a Variant of Uncertain Significance.